The following is an entry in ClinVar:

NM_020297.4(ABCC9):c.91C>G (p.Leu31Val)

Gene: ABCC9 (ATP binding cassette subfamily C member 9; minus strand). Cytogenetic location: 12p12.1.
Variant type: single nucleotide variant.
Coding change: c.91C>G on transcript NM_020297.4 (MANE Select); coding-DNA position 91, C replaced by G.
Protein change: p.Leu31Val; replaces leucine 31 with valine.
Molecular consequence: missense variant. On other transcripts: 5 prime UTR variant (1).
Genome position (GRCh38, 1-based): chr12:21,936,584, G>C on the plus strand (C>G on the coding strand, the complement: ABCC9 is on the minus strand). VCF-style: chr12-21936584-G-C. GRCh37 (hg19) VCF-style: chr12-22089518-G-C.
Other names: c.91C>G, p.Leu31Val (NM_001377273.1, NM_005691.4); c.-364C>G (NM_001377274.1); short protein forms L31V.
Identifiers: ClinVar variation 2724067 (VCV002724067.3), dbSNP rs1349835931, ClinGen allele CA384133614.

ClinVar aggregate classification (germline): Uncertain significance (1 of 4 stars; one submission).

Conditions:
Dilated cardiomyopathy 1O (CMD1O). Also called: CARDIOMYOPATHY, DILATED, WITH VENTRICULAR TACHYCARDIA. Identifiers: Orphanet 154, MedGen C1837839, MONDO:0012062, OMIM 608569.

Allele frequency attached by ClinVar (database versions not stated): TOPMed below 0.00001.

Submission:

Labcorp Genetics (formerly Invitae), Labcorp
Classification: Uncertain significance for Dilated cardiomyopathy 1O. Last evaluated: 2023-03-26. Review status: criteria provided, single submitter. Criteria: Invitae Variant Classification Sherloc (09022015). Collection method: clinical testing. Allele origin: germline.
Comment: In summary, the available evidence is currently insufficient to determine the role of this variant in disease. Therefore, it has been classified as a Variant of Uncertain Significance. Advanced modeling of protein sequence and biophysical properties (such as structural, functional, and spatial information, amino acid conservation, physicochemical variation, residue mobility, and thermodynamic stability) performed at Invitae indicates that this missense variant is not expected to disrupt ABCC9 protein function. This variant has not been reported in the literature in individuals affected with ABCC9-related conditions. This variant is present in population databases (no rsID available, gnomAD 0.007%). This sequence change replaces leucine, which is neutral and non-polar, with valine, which is neutral and non-polar, at codon 31 of the ABCC9 protein (p.Leu31Val).